The following is an entry in ClinVar:

NM_058246.4(DNAJB6):c.508G>A (p.Gly170Arg)

Gene: DNAJB6 (DnaJ heat shock protein family (Hsp40) member B6; plus strand). Cytogenetic location: 7q36.3.
Variant type: single nucleotide variant.
Coding change: c.508G>A on transcript NM_058246.4 (MANE Select); coding-DNA position 508, G replaced by A.
Protein change: p.Gly170Arg; replaces glycine 170 with arginine.
Molecular consequence: missense variant. On other transcripts: intron variant (1).
Genome position (GRCh38, 1-based): chr7:157,384,896, G>A. VCF-style: chr7-157384896-G-A. GRCh37 (hg19) VCF-style: chr7-157177590-G-A.
Other names: c.508G>A, p.Gly170Arg (NM_005494.3); c.346+17413G>A (NM_001363676.1); short protein forms G170R.
Identifiers: ClinVar variation 2740252 (VCV002740252.3), dbSNP rs375148730, ClinGen allele CA4590545.

ClinVar aggregate classification (germline): Uncertain significance (1 of 4 stars; one submission).

Conditions:
Autosomal dominant limb-girdle muscular dystrophy type 1D (DNAJB6) (LGMDD1). Also called: MUSCULAR DYSTROPHY, LIMB-GIRDLE, TYPE 1D; MUSCULAR DYSTROPHY, AUTOSOMAL DOMINANT, WITH RIMMED VACUOLES; Autosomal dominant limb-girdle muscular dystrophy type 1D; Muscular dystrophy, limb-girdle, autosomal dominant 1. Identifiers: Orphanet 34516, MedGen C4721885, MONDO:0021018, OMIM 603511.

Allele frequency attached by ClinVar (database versions not stated): ExAC 0.00001; gnomAD exomes 0.00001; TOPMed 0.00002; ESP Exome Variant Server 0.00008.
gnomAD v4.1: 10 of 1,612,698 alleles (0.00062%); highest among the groups gnomAD compares: Admixed American, 0.0033%; no homozygotes.

Submission:

Labcorp Genetics (formerly Invitae), Labcorp
Classification: Uncertain significance for Autosomal dominant limb-girdle muscular dystrophy type 1D (DNAJB6). Last evaluated: 2023-07-22. Review status: criteria provided, single submitter. Criteria: Invitae Variant Classification Sherloc (09022015). Collection method: clinical testing. Allele origin: germline.
Comment: In summary, the available evidence is currently insufficient to determine the role of this variant in disease. Therefore, it has been classified as a Variant of Uncertain Significance. Advanced modeling of protein sequence and biophysical properties (such as structural, functional, and spatial information, amino acid conservation, physicochemical variation, residue mobility, and thermodynamic stability) performed at Invitae indicates that this missense variant is not expected to disrupt DNAJB6 protein function. This variant has not been reported in the literature in individuals affected with DNAJB6-related conditions. This variant is present in population databases (rs375148730, gnomAD 0.003%). This sequence change replaces glycine, which is neutral and non-polar, with arginine, which is basic and polar, at codon 170 of the DNAJB6 protein (p.Gly170Arg).